The following is an entry in ClinVar:

NM_004371.4(COPA):c.2544T>C (p.Asp848=)

Gene: COPA (coat protein complex I subunit alpha; minus strand). Cytogenetic location: 1q23.2.
Variant type: single nucleotide variant.
Coding change: c.2544T>C on transcript NM_004371.4 (MANE Select); coding-DNA position 2544, T replaced by C.
Protein change: p.Asp848=; no amino-acid change (aspartic acid 848 retained).
Molecular consequence: synonymous variant.
Genome position (GRCh38, 1-based): chr1:160,294,790, A>G on the plus strand (T>C on the coding strand, the complement: COPA is on the minus strand). VCF-style: chr1-160294790-A-G. GRCh37 (hg19) VCF-style: chr1-160264580-A-G.
Other names: c.2571T>C, p.Asp857= (NM_001098398.2).
Identifiers: ClinVar variation 748545 (VCV000748545.14), dbSNP rs144925259, ClinGen allele CA1197858.

ClinVar aggregate classification (germline): Benign/Likely benign. Review status: criteria provided, multiple submitters, no conflicts (2 of 4 stars). 4 submissions from 4 submitters: Benign (2); Likely benign (2). Last evaluated 2026-05-01.

Conditions:
Autoimmune interstitial lung disease-arthritis syndrome. Also called: Autoinflammation and autoimmunity, systemic, with immune dysregulation. Identifiers: Orphanet 444092, MedGen C5975714, MONDO:0014629.

Allele frequency attached by ClinVar (database versions not stated): ESP Exome Variant Server 0.00008; TOPMed 0.00012; gnomAD 0.00014 and 0.00015; gnomAD exomes 0.00019 and 0.00032; ExAC 0.00026.
gnomAD v4.1: 312 of 1,614,072 alleles (0.019%); highest among the groups gnomAD compares: Middle Eastern, 0.049%; no homozygotes.

Submissions (4):

CeGaT Center for Human Genetics Tuebingen
Classification: Likely benign. Last evaluated: 2026-05-01. Review status: criteria provided, single submitter. Criteria: CeGaT Center For Human Genetics Tuebingen Variant Classification Criteria Version 2. Collection method: clinical testing. Allele origin: germline. Affected: yes. Observed: 1 variant allele.
Comment: COPA: BP4, BP7

Labcorp Genetics (formerly Invitae), Labcorp
Classification: Benign for Autoimmune interstitial lung disease-arthritis syndrome. Last evaluated: 2026-01-21. Review status: criteria provided, single submitter. Criteria: Invitae Variant Classification Sherloc (09022015). Collection method: clinical testing. Allele origin: germline.

Women's Health and Genetics/Laboratory Corporation of America, LabCorp
Classification: Benign. Last evaluated: 2025-05-20. Review status: criteria provided, single submitter. Criteria: LabCorp Variant Classification Summary - May 2015. Collection method: clinical testing. Allele origin: germline.

Blueprint Genetics
Classification: Likely benign. Last evaluated: 2024-10-02. Review status: criteria provided, single submitter. Criteria: ACMG Guidelines, 2015. Collection method: clinical testing. Allele origin: germline.